The following is an entry in ClinVar:

NM_022773.4(LMF1):c.572G>A (p.Trp191Ter)

Gene: LMF1 (lipase maturation factor 1; minus strand). Cytogenetic location: 16p13.3.
Variant type: single nucleotide variant.
Coding change: c.572G>A on transcript NM_022773.4 (MANE Select); coding-DNA position 572, G replaced by A.
Protein change: p.Trp191Ter; replaces tryptophan 191 with a stop codon.
Molecular consequence: nonsense. On other transcripts: 5 prime UTR variant (2), non-coding transcript variant (1).
Genome position (GRCh38, 1-based): chr16:911,022, C>T on the plus strand (G>A on the coding strand, the complement: LMF1 is on the minus strand). VCF-style: chr16-911022-C-T. GRCh37 (hg19) VCF-style: chr16-961022-C-T.
Other names: c.-80G>A (NM_001352017.2, NM_001352021.2); c.173G>A, p.Trp58Ter (NM_001352018.2); c.245G>A, p.Trp82Ter (NM_001352019.2); c.572G>A, p.Trp191Ter (NM_001352020.1); short protein forms W191*, W58*, W82*.
Identifiers: ClinVar variation 4748684 (VCV004748684.1).

ClinVar aggregate classification (germline): Pathogenic (1 of 4 stars; one submission).

Submission:

Labcorp Genetics (formerly Invitae), Labcorp
Classification: Pathogenic. Last evaluated: 2025-04-10. Review status: criteria provided, single submitter. Criteria: Invitae Variant Classification Sherloc (09022015). Collection method: clinical testing. Allele origin: germline.
Comment: This sequence change creates a premature translational stop signal (p.Trp191*) in the LMF1 gene. It is expected to result in an absent or disrupted protein product. Loss-of-function variants in LMF1 are known to be pathogenic (PMID: 17994020, 19820022, 22239554). This variant is not present in population databases (gnomAD no frequency). This variant has not been reported in the literature in individuals affected with LMF1-related conditions. For these reasons, this variant has been classified as Pathogenic.

Literature cited by the submitters: PubMed 17994020; PubMed 19820022; PubMed 22239554.